The following is an entry in ClinVar:

ClinVar aggregate classification (germline): Uncertain significance (1 of 4 stars; one submission).

Conditions:
Inborn genetic diseases. Identifiers: MedGen C0950123, MeSH D030342.

Submission:

Ambry Genetics
Classification: Uncertain significance for Inborn genetic diseases. Last evaluated: 2026-04-20. Review status: criteria provided, single submitter. Criteria: Ambry Variant Classification Scheme 2023. Collection method: clinical testing. Allele origin: germline.
Comment: The p.N977D variant (also known as c.2929A>G), located in coding exon 1 of the SAMD9 gene, results from an A to G substitution at nucleotide position 2929. The asparagine at codon 977 is replaced by aspartic acid, an amino acid with highly similar properties. This amino acid position is conserved. In addition, this alteration is predicted to be tolerated by in silico analysis. Based on the available evidence, the clinical significance of this variant remains unclear.

NM_017654.4(SAMD9):c.2929A>G (p.Asn977Asp)

Gene: SAMD9 (sterile alpha motif domain containing 9; minus strand). Cytogenetic location: 7q21.2.
Variant type: single nucleotide variant.
Coding change: c.2929A>G on transcript NM_017654.4 (MANE Select); coding-DNA position 2929, A replaced by G.
Protein change: p.Asn977Asp; replaces asparagine 977 with aspartic acid.
Molecular consequence: missense variant.
Genome position (GRCh38, 1-based): chr7:93,103,169, T>C on the plus strand (A>G on the coding strand, the complement: SAMD9 is on the minus strand). VCF-style: chr7-93103169-T-C. GRCh37 (hg19) VCF-style: chr7-92732482-T-C.
Other names: c.2929A>G, p.Asn977Asp (NM_001193307.2); short protein forms N977D.
Identifiers: ClinVar variation 4863822 (VCV004863822.1).